The following is an entry in ClinVar:

NM_001384732.1(CPLANE1):c.5737+15A>G

Gene: CPLANE1 (ciliogenesis and planar polarity effector complex subunit 1; minus strand). Cytogenetic location: 5p13.2.
Variant type: single nucleotide variant.
Coding change: c.5737+15A>G on transcript NM_001384732.1 (MANE Select); 15 bases into the intron after coding-DNA position 5737, A replaced by G.
Molecular consequence: intron variant.
Genome position (GRCh38, 1-based): chr5:37,180,002, T>C on the plus strand (A>G on the coding strand, the complement: CPLANE1 is on the minus strand). VCF-style: chr5-37180002-T-C. GRCh37 (hg19) VCF-style: chr5-37180104-T-C.
Other names: c.5737+15A>G (NM_023073.4).
Identifiers: ClinVar variation 1446153 (VCV001446153.7), dbSNP rs1352836895, ClinGen allele CA810293541.
Genomic context (GRCh38, chr5:37,180,002, plus strand): 5'-AGTTACCTCAGATAATATTATTTACCAATTTCAAATTAATAAAGCCAAAAAAATAGATTA[T>C]CTAAATGAACTGACCTTCATAGTCTGATATGTGCATATCCATTTCCTCTTCTGTAAATGC-3'

ClinVar aggregate classification (germline): Uncertain significance. Review status: criteria provided, multiple submitters, no conflicts (2 of 4 stars). 2 submissions from 2 submitters: Uncertain significance (2). Last evaluated 2022-03-09.

Conditions:
Orofaciodigital syndrome type 6 (OFD6). Also called: OROFACIODIGITAL SYNDROME VI; OFDS VI; POLYDACTYLY, CLEFT LIP/PALATE OR LINGUAL LUMP, AND PSYCHOMOTOR RETARDATION; VARADI SYNDROME; VARADI-PAPP SYNDROME; Oral-facial-digital syndrome type 6. Identifiers: Orphanet 2754, MedGen C2745997, MONDO:0010176, OMIM 277170.
Joubert syndrome 17 (JBTS17). Identifiers: Orphanet 475, MedGen C3553264, MONDO:0013824, OMIM 614615.

Allele frequency attached by ClinVar (database versions not stated): gnomAD exomes below 0.00001; TOPMed below 0.00001; gnomAD 0.00001.
gnomAD v4.1: 2 of 1,510,382 alleles (0.00013%); highest among the groups gnomAD compares: Non-Finnish European, 0.00018%; no homozygotes.

Submissions (2):

Labcorp Genetics (formerly Invitae), Labcorp
Classification: Uncertain significance. Last evaluated: 2022-03-09. Review status: criteria provided, single submitter. Criteria: Invitae Variant Classification Sherloc (09022015). Collection method: clinical testing. Allele origin: germline.
Comment: In summary, the available evidence is currently insufficient to determine the role of this variant in disease. Therefore, it has been classified as a Variant of Uncertain Significance. Algorithms developed to predict the effect of sequence changes on RNA splicing suggest that this variant may create or strengthen a splice site. This variant has not been reported in the literature in individuals affected with CPLANE1-related conditions. This variant is not present in population databases (gnomAD no frequency). This sequence change falls in intron 28 of the CPLANE1 gene. It does not directly change the encoded amino acid sequence of the CPLANE1 protein.

Fulgent Genetics
Classification: Uncertain significance for Orofaciodigital syndrome type 6; Joubert syndrome 17. Last evaluated: 2022-02-24. Review status: criteria provided, single submitter. Criteria: ACMG Guidelines, 2015. Collection method: clinical testing. Allele origin: unknown.